The following is an entry in ClinVar:

NM_001267550.2(TTN):c.85769G>A (p.Arg28590Gln)

Genes: TTN (titin; minus strand), TTN-AS1 (TTN antisense RNA 1; plus strand). Cytogenetic location: 2q31.2.
Variant type: single nucleotide variant.
Coding change: c.85769G>A on transcript NM_001267550.2 (MANE Select); coding-DNA position 85769, G replaced by A.
Protein change: p.Arg28590Gln; replaces arginine 28590 with glutamine.
Molecular consequence: missense variant.
Genome position (GRCh38, 1-based): chr2:178,560,363, C>T on the plus strand (G>A on the coding strand, the complement: TTN is on the minus strand). VCF-style: chr2-178560363-C-T. GRCh37 (hg19) VCF-style: chr2-179425090-C-T.
Other names: c.80846G>A, p.Arg26949Gln (NM_001256850.1); c.78065G>A, p.Arg26022Gln (NM_133378.4); c.58574G>A, p.Arg19525Gln (NM_003319.4); c.58949G>A, p.Arg19650Gln (NM_133432.3); c.59150G>A, p.Arg19717Gln (NM_133437.4); short protein forms R28590Q, R26022Q, R19650Q, R19717Q, R19525Q, R26949Q.
Identifiers: ClinVar variation 47449 (VCV000047449.19), dbSNP rs375667028, ClinGen allele CA141039.

ClinVar aggregate classification (germline): Conflicting classifications of pathogenicity. Review status: criteria provided, conflicting classifications (1 of 4 stars). 7 submissions from 7 submitters: Uncertain significance (4); Likely benign (3). Last evaluated 2025-08-01.

Conditions:
Cardiomyopathy (CMYO). Also called: Cardiomyopathies. Identifiers: Orphanet 167848, MedGen C0878544, MONDO:0004994, HP:0001638. Inheritance: Various modes of inheritance.

Allele frequency attached by ClinVar (database versions not stated): ESP Exome Variant Server 0.00008; TOPMed 0.00010; ExAC 0.00011; gnomAD 0.00012 and 0.00013.
gnomAD v4.1: 146 of 1,613,542 alleles (0.009%); highest among the groups gnomAD compares: South Asian, 0.0088%; no homozygotes.

Submissions (7):

CeGaT Center for Human Genetics Tuebingen
Classification: Uncertain significance. Last evaluated: 2025-08-01. Review status: criteria provided, single submitter. Criteria: CeGaT Center For Human Genetics Tuebingen Variant Classification Criteria Version 2. Collection method: clinical testing. Allele origin: germline. Affected: yes. Observed: 1 variant allele.
Comment: TTN: PM2

Blueprint Genetics
Classification: Likely benign. Last evaluated: 2024-10-16. Review status: criteria provided, single submitter. Criteria: ACMG Guidelines, 2015. Collection method: clinical testing. Allele origin: germline.

ARUP Laboratories, Molecular Genetics and Genomics, ARUP Laboratories
Classification: Uncertain significance. Last evaluated: 2024-10-03. Review status: criteria provided, single submitter. Criteria: ARUP Molecular Germline Variant Investigation Process 2024. Collection method: clinical testing. Allele origin: germline.
Comment: The TTN c.85769G>A; p.Arg28590Gln variant (rs375667028; ClinVar Variation ID: 47449) is rare in the general population (<0.2% allele frequency in the Genome Aggregation Database) and has not been reported in the medical literature in association with dilated cardiomyopathy (DCM) or other TTN-related disease. The clinical relevance of rare missense variants in this gene, which are identified on average once per individual sequenced in affected populations (Herman 2012), is not well understood. Yet, evidence suggests that the vast majority of such missense variants do not contribute to the clinical outcome of DCM (Begay 2015). Thus, the clinical significance of the p.Arg28590Gln variant cannot be determined with certainty. References: Begay RL et al. Role of Titin Missense Variants in Dilated Cardiomyopathy. J Am Heart Assoc. 2015 Nov 13;4(11). PMID: 26567375. Herman DS et al. Truncations of titin causing dilated cardiomyopathy. N Engl J Med. 2012 Feb 16;366(7):619-28. PMID: 22335739. Linke WA and Hamdani N. Gigantic business: titin properties and function through thick and thin. Circ Res 2014; 114(6): 1052-1068. PMID: 24625729.

Revvity Omics, Revvity
Classification: Uncertain significance. Last evaluated: 2023-03-30. Review status: criteria provided, single submitter. Criteria: ACMG Guidelines, 2015. Collection method: clinical testing. Allele origin: germline.

CHEO Genetics Diagnostic Laboratory, Children's Hospital of Eastern Ontario
Classification: Likely benign for Cardiomyopathy. Last evaluated: 2023-01-18. Review status: criteria provided, single submitter. Criteria: ACMG Guidelines, 2015. Collection method: clinical testing. Allele origin: germline.

GeneDx
Classification: Likely benign. Last evaluated: 2021-03-18. Review status: criteria provided, single submitter. Criteria: GeneDx Variant Classification Process June 2021. Collection method: clinical testing. Allele origin: germline. Affected: yes.

Laboratory for Molecular Medicine, Mass General Brigham Personalized Medicine
Classification: Uncertain significance. Last evaluated: 2013-02-20. Review status: criteria provided, single submitter. Criteria: LMM Criteria. Collection method: clinical testing. Allele origin: germline. Observed: 1 variant allele.
Comment: The Arg26022Gln variant in TTN has not been reported in the literature nor previ ously identified by our laboratory but has been identified in 1/8208 European Am erican chromosomes from a broad population by the NHLBI Exome Sequencing Project. Computational analyses (biochemical amino acid properties, conservation, AlignGVGD, PolyPhen2, and SIFT) do not provide st rong support for or against an impact to the protein. Additional information is needed to fully assess the clinical significance of the Arg26022Gln variant.